The following is an entry in ClinVar:

NM_013964.5(NRG1):c.1062-5C>T

Genes: NRG1 (neuregulin 1; plus strand), LOC126860346 (BRD4-independent group 4 enhancer GRCh37_chr8:32617179-32618378; plus strand). Cytogenetic location: 8p12.
Variant type: single nucleotide variant.
Coding change: c.1062-5C>T on transcript NM_013964.5 (MANE Select); 5 bases into the intron before coding-DNA position 1062, C replaced by T.
Molecular consequence: intron variant.
Genome position (GRCh38, 1-based): chr8:32,760,195, C>T. VCF-style: chr8-32760195-C-T. GRCh37 (hg19) VCF-style: chr8-32617713-C-T.
Other names: c.1242-5C>T (NM_001322205.1, NM_001322206.2, NM_001322205.2 and 1 more transcripts); c.1014-5C>T (NM_001159999.3); c.963-5C>T (NM_001159995.3); c.288-5C>T (NM_001322201.2, NM_001322202.2); c.912-5C>T (NM_001160001.3); c.1062-5C>T (NM_013960.5); c.1077-5C>T (NM_013956.5); c.1053-5C>T (NM_001160004.3, NM_013957.5, NM_001160008.2); and 2 more.
Identifiers: ClinVar variation 1285117 (VCV001285117.7), dbSNP rs79223941, ClinGen allele CA4706003.

ClinVar aggregate classification (germline): Benign/Likely benign. Review status: criteria provided, multiple submitters, no conflicts (2 of 4 stars). 6 submissions from 6 submitters: Benign (1); Likely benign (2). 3 of the submissions do not count toward it. Last evaluated 2024-11-26.

Conditions:
Schizophrenia 6. Also called: SCHIZOPHRENIA SUSCEPTIBILITY LOCUS, CHROMOSOME 8p-RELATED; SCZD6. Identifiers: MedGen C1864275, MONDO:0011280, OMIM 603013.
NRG1-related disorder. Also called: NRG1-related condition.

Allele frequency attached by ClinVar (database versions not stated): 1000 Genomes Project 0.01298; 1000 Genomes Project 30x 0.01405; gnomAD 0.02144 and 0.02148; TOPMed 0.02240; gnomAD exomes 0.02264; ExAC 0.02358; ESP Exome Variant Server 0.02606.
gnomAD v4.1: 51,170 of 1,613,620 alleles (3.2%); highest among the groups gnomAD compares: Non-Finnish European, 3.8%; 944 homozygotes.

Submissions (6):

Blueprint Genetics
Classification: Likely benign. Last evaluated: 2024-11-26. Review status: criteria provided, single submitter. Criteria: ACMG Guidelines, 2015. Collection method: clinical testing. Allele origin: germline.

Molecular Genetics, Royal Melbourne Hospital
Classification: Benign for Schizophrenia 6. Last evaluated: 2023-05-04. Review status: criteria provided, single submitter. Criteria: ACMG Guidelines, 2015. Collection method: clinical testing. Allele origin: germline. Affected: yes.
Comment: European Non-Finnish population allele frequency is 3.371% (rs79223941, 3,276/152,090 alleles, 48 homozygotes in gnomAD v3.1). Based on the classification scheme RMH Modified ACMG/AMP Guidelines v1.3.0, this variant is classified as BENIGN. Following criteria are met: BA1

Breakthrough Genomics
Classification: Likely benign. Review status: criteria provided, single submitter. Criteria: ACMG Guidelines, 2015. Collection method: not provided. Allele origin: germline. Inheritance: Unknown mechanism. Affected: yes.

PreventionGenetics, part of Exact Sciences
Classification: Benign for NRG1-related condition. Last evaluated: 2019-10-14. Review status: no assertion criteria provided. Collection method: clinical testing. Allele origin: germline. Not counted in ClinVar's aggregate classification.
Comment: This variant is classified as benign based on ACMG/AMP sequence variant interpretation guidelines (Richards et al. 2015 PMID: 25741868, with internal and published modifications).

Clinical Genetics DNA and cytogenetics Diagnostics Lab, Erasmus MC, Erasmus Medical Center
Classification: Benign. Review status: no assertion criteria provided. Collection method: clinical testing. Allele origin: germline. Affected: yes. Study: VKGL Data-share Consensus. Not counted in ClinVar's aggregate classification.

Genome Diagnostics Laboratory, University Medical Center Utrecht
Classification: Benign. Review status: no assertion criteria provided. Collection method: clinical testing. Allele origin: germline. Affected: yes. Study: VKGL Data-share Consensus. Not counted in ClinVar's aggregate classification.